The following is an entry in ClinVar:

NM_000143.4(FH):c.504del (p.Glu168fs)

Gene: FH (fumarate hydratase; minus strand). Cytogenetic location: 1q43.
Variant type: Deletion.
Coding change: c.504del on transcript NM_000143.4 (MANE Select); coding-DNA position 504, one base deleted (A; older notation c.504delA).
Protein change: p.Glu168fs; shifts the reading frame from glutamic acid 168.
Molecular consequence: frameshift variant.
Genome position (GRCh38, 1-based): chr1:241,512,018, T deleted on the plus strand (A on the coding strand, the reverse complement: FH is on the minus strand); the first of 2 consecutive T bases (chr1:241,512,018-241,512,019); deleting either gives the same sequence. VCF-style (leftmost placement, unchanged base first): chr1-241512017-GT-G. GRCh37 (hg19) VCF-style: chr1-241675317-GT-G.
Other names: c.504delA (NM_000143.3); short protein forms E168fs.
Identifiers: ClinVar variation 422293 (VCV000422293.15), dbSNP rs776190273, ClinGen allele CA1478674.
Genomic context (GRCh38, chr1:241,512,017, plus strand): 5'-ACATACTGACCTGGCTTTTATTAACATGATCGTTGGGATGCACAGGTATCTTGCTGCCAA[GT>G]TCACCTCCTAACATTTCAATTGCTCTATTGCTAATGACTTCATTTACATTCATATTTGTC-3'

ClinVar aggregate classification (germline): Pathogenic/Likely pathogenic. Review status: criteria provided, multiple submitters, no conflicts (2 of 4 stars). 5 submissions from 5 submitters: Pathogenic (4); Likely pathogenic (1). Last evaluated 2025-07-24.

Conditions:
Hereditary leiomyomatosis and renal cell cancer. Also called: MULTIPLE CUTANEOUS AND UTERINE LEIOMYOMATA 1, WITH OR WITHOUT RENAL CELL CARCINOMA; Familial leiomyomatosis; LEIOMYOMA, MULTIPLE CUTANEOUS; FH tumor predisposition syndrome; Multiple cutaneous leiomyomas; Reed syndrome. Identifiers: Orphanet 523, MedGen C1708350, MONDO:0007888, OMIM 150800, HP:0007437. Disease mechanism: loss of function.
Hereditary cancer-predisposing syndrome. Also called: Neoplastic Syndromes, Hereditary; Hereditary Cancer Syndrome; Hereditary neoplastic syndrome; Tumor predisposition. Identifiers: Orphanet 140162, MedGen C0027672, MeSH D009386, MONDO:0015356.
Fumarase deficiency (FMRD). Also called: Fumaric aciduria; Fumarate Hydratase Deficiency. Identifiers: Orphanet 24, MedGen C0342770, MONDO:0011730, OMIM 606812.

Submissions (5):

Labcorp Genetics (formerly Invitae), Labcorp
Classification: Pathogenic. Last evaluated: 2025-07-24. Review status: criteria provided, single submitter. Criteria: Invitae Variant Classification Sherloc (09022015). Collection method: clinical testing. Allele origin: germline.
Comment: This sequence change creates a premature translational stop signal (p.Glu168Aspfs*34) in the FH gene. It is expected to result in an absent or disrupted protein product. Loss-of-function variants in FH are known to be pathogenic (PMID: 11865300, 21398687). This variant is present in population databases (rs776190273, gnomAD 0.007%). This variant has not been reported in the literature in individuals affected with FH-related conditions. ClinVar contains an entry for this variant (Variation ID: 422293). For these reasons, this variant has been classified as Pathogenic.

Myriad Genetics, Inc.
Classification: Pathogenic for Hereditary leiomyomatosis and renal cell cancer. Last evaluated: 2024-02-02. Review status: criteria provided, single submitter. Criteria: Myriad Autosomal Dominant, Autosomal Recessive and X-Linked Classification Criteria (2023). Collection method: clinical testing. Allele origin: unknown.
Comment: This variant is considered pathogenic. This variant creates a frameshift predicted to result in premature protein truncation.

Baylor Genetics
Classification: Pathogenic for Fumarase deficiency. Last evaluated: 2023-10-23. Review status: criteria provided, single submitter. Criteria: ACMG Guidelines, 2015. Collection method: clinical testing. Allele origin: unknown.

Ambry Genetics
Classification: Pathogenic for Hereditary cancer-predisposing syndrome. Last evaluated: 2022-11-04. Review status: criteria provided, single submitter. Criteria: Ambry Variant Classification Scheme 2023. Collection method: clinical testing. Allele origin: germline.
Comment: The c.504delA variant, located in coding exon 4 of the FH gene, results from a deletion of one nucleotide at nucleotide position 504, causing a translational frameshift with a predicted alternate stop codon (p.E168Dfs*34). This variant is considered to be rare based on population cohorts in the Genome Aggregation Database (gnomAD). This alteration is expected to result in loss of function by premature protein truncation or nonsense-mediated mRNA decay. As such, this alteration is interpreted as a disease-causing mutation.

GeneDx
Classification: Likely pathogenic. Last evaluated: 2016-09-23. Review status: criteria provided, single submitter. Criteria: GeneDx Variant Classification (06012015). Collection method: clinical testing. Allele origin: germline. Affected: yes.
Comment: The c.504delA variant in the FH gene has not been reported previously as a pathogenic variant, nor as a benign variant, to our knowledge. This deletion causes a frameshift starting with codon Glutamic Acid 168, changes this amino acid to an Aspartic Acid residue and creates a premature Stop codon at position 34 of the new reading frame, denoted p.Glu168AspfsX34. This variant is predicted to cause loss of normal protein function either through protein truncation or nonsense-mediated mRNA decay. Based on currently available evidence, c.504delA is a strong candidate for a pathogenic variant. However, the possibility it may be a rare benign variant cannot be excluded.

Literature cited by the submitters: PubMed 11865300 (cited by Labcorp Genetics (formerly Invitae), Labcorp); PubMed 21398687 (cited by Labcorp Genetics (formerly Invitae), Labcorp); PubMed 27454940 (cited by Ambry Genetics).